The following is an entry in ClinVar:

NM_001366385.1(CARD14):c.2859G>A (p.Ala953=)

Genes: CARD14 (caspase recruitment domain family member 14; plus strand), SGSH (N-sulfoglucosamine sulfohydrolase; minus strand). Cytogenetic location: 17q25.3.
Variant type: single nucleotide variant.
Coding change: c.2859G>A on transcript NM_001366385.1 (MANE Select); coding-DNA position 2859, G replaced by A.
Protein change: p.Ala953=; no amino-acid change (alanine 953 retained).
Molecular consequence: synonymous variant. On other transcripts: non-coding transcript variant (1).
Genome position (GRCh38, 1-based): chr17:80,208,189, G>A. VCF-style: chr17-80208189-G-A. GRCh37 (hg19) VCF-style: chr17-78181988-G-A.
Other names: c.2859G>A, p.Ala953= (NM_024110.4).
Identifiers: ClinVar variation 458101 (VCV000458101.42), dbSNP rs139969019, ClinGen allele CA8817497.

ClinVar aggregate classification (germline): Benign/Likely benign. Review status: criteria provided, multiple submitters, no conflicts (2 of 4 stars). 7 submissions from 7 submitters: Benign (3); Likely benign (3). 1 of the submissions does not count toward it. Last evaluated 2026-01-27.

Conditions:
Pityriasis rubra pilaris (PRP). Also called: Pityriasis rubra pilaris--familial type. Identifiers: Orphanet 2897, MedGen C0032027, MONDO:0100017, OMIM 173200, MONDO:0008251.
Psoriasis 2. Identifiers: MedGen C1864497, MONDO:0011269, OMIM 602723.
CARD14-related disorder. Also called: CARD14-related condition.
Autoinflammatory syndrome. Identifiers: Orphanet 93665, MedGen C3890737, MONDO:0019751.

Allele frequency attached by ClinVar (database versions not stated): gnomAD exomes 0.00038 and 0.00086; ExAC 0.00215; ESP Exome Variant Server 0.00261; 1000 Genomes Project 30x 0.00359; gnomAD 0.00368 and 0.00386; 1000 Genomes Project 0.00419; TOPMed 0.00441.
gnomAD v4.1: 1,117 of 1,551,930 alleles (0.072%); highest among the groups gnomAD compares: African/African-American, 1.3%; 3 homozygotes.

Submissions (7):

Labcorp Genetics (formerly Invitae), Labcorp
Classification: Benign for Pityriasis rubra pilaris; Psoriasis 2. Last evaluated: 2026-01-27. Review status: criteria provided, single submitter. Criteria: Invitae Variant Classification Sherloc (09022015). Collection method: clinical testing. Allele origin: germline.

Women's Health and Genetics/Laboratory Corporation of America, LabCorp
Classification: Benign. Last evaluated: 2026-01-22. Review status: criteria provided, single submitter. Criteria: LabCorp Variant Classification Summary - May 2015. Collection method: clinical testing. Allele origin: germline.

Blueprint Genetics
Classification: Likely benign. Last evaluated: 2024-10-31. Review status: criteria provided, single submitter. Criteria: ACMG Guidelines, 2015. Collection method: clinical testing. Allele origin: germline.

CeGaT Center for Human Genetics Tuebingen
Classification: Likely benign. Last evaluated: 2024-10-01. Review status: criteria provided, single submitter. Criteria: CeGaT Center For Human Genetics Tuebingen Variant Classification Criteria Version 2. Collection method: clinical testing. Allele origin: germline. Affected: yes. Observed: 2 variant alleles.
Comment: CARD14: BP4, BP7, BS1

Genome Diagnostics Laboratory, The Hospital for Sick Children
Classification: Likely benign for Autoinflammatory syndrome. Last evaluated: 2021-08-12. Review status: criteria provided, single submitter. Criteria: ACMG Guidelines, 2015. Collection method: clinical testing. Allele origin: germline. Affected: yes.

Breakthrough Genomics
Classification: Benign. Review status: criteria provided, single submitter. Criteria: ACMG Guidelines, 2015. Collection method: not provided. Allele origin: germline. Inheritance: Autosomal dominant inheritance. Affected: yes.

PreventionGenetics, part of Exact Sciences
Classification: Benign for CARD14-related condition. Last evaluated: 2019-04-01. Review status: no assertion criteria provided. Collection method: clinical testing. Allele origin: germline. Not counted in ClinVar's aggregate classification.
Comment: This variant is classified as benign based on ACMG/AMP sequence variant interpretation guidelines (Richards et al. 2015 PMID: 25741868, with internal and published modifications).